The following is an entry in ClinVar:

NM_130468.4(CHST14):c.148A>T (p.Ile50Phe)

Genes: CHST14 (carbohydrate sulfotransferase 14; plus strand), LOC130056851 (ATAC-STARR-seq lymphoblastoid silent region 6336; plus strand). Cytogenetic location: 15q15.1.
Variant type: single nucleotide variant.
Coding change: c.148A>T on transcript NM_130468.4 (MANE Select); coding-DNA position 148, A replaced by T.
Protein change: p.Ile50Phe; replaces isoleucine 50 with phenylalanine.
Molecular consequence: missense variant.
Genome position (GRCh38, 1-based): chr15:40,471,361, A>T. VCF-style: chr15-40471361-A-T. GRCh37 (hg19) VCF-style: chr15-40763560-A-T.
Other names: short protein forms I50F.
Identifiers: ClinVar variation 468548 (VCV000468548.10), dbSNP rs1046833753, ClinGen allele CA268822133.
Genomic context (GRCh38, chr15:40,471,361, plus strand): 5'-GCCCGGGCGGGGCTGGGTGGGCCGCCCCTGCTGCTGCCGTCCATGCTGATGTTTGCGGTG[A>T]TCGTGGCCTCCAGCGGGCTGCTGCTCATGATCGAGCGGGGCATCCTGGCCGAGATGAAGC-3'
Protein context (NP_569735.1, residues 40-60): LLPSMLMFAV[Ile50Phe]VASSGLLLMI

ClinVar aggregate classification (germline): Uncertain significance. Review status: criteria provided, multiple submitters, no conflicts (2 of 4 stars). 2 submissions from 2 submitters: Uncertain significance (2). Last evaluated 2025-06-20.

Conditions:
Ehlers-Danlos syndrome, musculocontractural type (EDSMC). Also called: Adducted thumb, clubfoot, progressive joint and skin laxity syndrome; ARTHROGRYPOSIS, DISTAL, WITH PECULIAR FACIES AND HYDRONEPHROSIS; DUNDAR SYNDROME; ADDUCTED THUMB-CLUBFOOT SYNDROME. Identifiers: Orphanet 2953, MedGen C1866294, MONDO:0011142.
Cardiovascular phenotype. Identifiers: MedGen CN230736.

Allele frequency attached by ClinVar (database versions not stated): gnomAD exomes below 0.00001; gnomAD 0.00001; TOPMed 0.00001.

Submissions (2):

Ambry Genetics
Classification: Uncertain significance for Cardiovascular phenotype. Last evaluated: 2025-06-20. Review status: criteria provided, single submitter. Criteria: Ambry Variant Classification Scheme 2023. Collection method: clinical testing. Allele origin: germline.
Comment: The p.I50F variant (also known as c.148A>T), located in coding exon 1 of the CHST14 gene, results from an A to T substitution at nucleotide position 148. The isoleucine at codon 50 is replaced by phenylalanine, an amino acid with highly similar properties. This amino acid position is conserved. In addition, the in silico prediction for this alteration is inconclusive. Based on the available evidence, the clinical significance of this variant remains unclear.

Labcorp Genetics (formerly Invitae), Labcorp
Classification: Uncertain significance for Ehlers-Danlos syndrome, musculocontractural type. Last evaluated: 2022-07-19. Review status: criteria provided, single submitter. Criteria: Invitae Variant Classification Sherloc (09022015). Collection method: clinical testing. Allele origin: germline.
Comment: ClinVar contains an entry for this variant (Variation ID: 468548). In summary, the available evidence is currently insufficient to determine the role of this variant in disease. Therefore, it has been classified as a Variant of Uncertain Significance. Algorithms developed to predict the effect of missense changes on protein structure and function are either unavailable or do not agree on the potential impact of this missense change (SIFT: "Deleterious"; PolyPhen-2: "Possibly Damaging"; Align-GVGD: "Class C0"). This variant has not been reported in the literature in individuals affected with CHST14-related conditions. This variant is not present in population databases (gnomAD no frequency). This sequence change replaces isoleucine, which is neutral and non-polar, with phenylalanine, which is neutral and non-polar, at codon 50 of the CHST14 protein (p.Ile50Phe).